The following is an entry in ClinVar:

ClinVar aggregate classification (germline): Uncertain significance (1 of 4 stars; one submission).

Conditions:
Progressive myoclonic epilepsy. Also called: Familial progressive myoclonic epilepsy; Myoclonic Epilepsies, Progressive; Myoclonus epilepsy; Progressive myoclonus epilepsy. Identifiers: Orphanet 308, Orphanet 98261, MedGen C0751778, MONDO:0020074.

Submission:

Labcorp Genetics (formerly Invitae), Labcorp
Classification: Uncertain significance for Progressive myoclonic epilepsy. Last evaluated: 2024-01-31. Review status: criteria provided, single submitter. Criteria: Invitae Variant Classification Sherloc (09022015). Collection method: clinical testing. Allele origin: germline.
Comment: This variant, c.211_231dup, results in the insertion of 7 amino acid(s) of the EPM2A protein (p.Ala71_Glu77dup), but otherwise preserves the integrity of the reading frame. This variant is not present in population databases (gnomAD no frequency). This variant has not been reported in the literature in individuals affected with EPM2A-related conditions. ClinVar contains an entry for this variant (Variation ID: 1058333). Experimental studies and prediction algorithms are not available or were not evaluated, and the functional significance of this variant is currently unknown. In summary, the available evidence is currently insufficient to determine the role of this variant in disease. Therefore, it has been classified as a Variant of Uncertain Significance.

NM_005670.4(EPM2A):c.211_231dup (p.Ala71_Glu77dup)

Genes: EPM2A (EPM2A glucan phosphatase, laforin; minus strand), EPM2A-DT (EPM2A divergent transcript; plus strand), LOC129997381 (ATAC-STARR-seq lymphoblastoid silent region 17642; plus strand). Cytogenetic location: 6q24.3.
Variant type: Duplication.
Coding change: c.211_231dup on transcript NM_005670.4 (MANE Select); coding-DNA positions 211 to 231, 21 bases duplicated (GCGGCGCAGGACGGGGCGGAG).
Protein change: p.Ala71_Glu77dup.
Molecular consequence: inframe insertion. On other transcripts: 5 prime UTR variant (3), intron variant (1).
Genome position (GRCh38, 1-based): chr6:145,735,268-145,735,288, CTCCGCCCCGTCCTGCGCCGC duplicated on the plus strand (GCGGCGCAGGACGGGGCGGAG on the coding strand, the reverse complement: EPM2A is on the minus strand); duplicating any 21 consecutive bases within chr6:145,735,268-145,735,292 gives the same sequence; the c. name uses the placement nearest the transcript's 3' end. VCF-style (leftmost placement, unchanged base first): chr6-145735267-G-GCTCCGCCCCGTCCTGCGCCGC. GRCh37 (hg19) VCF-style: chr6-146056403-G-GCTCCGCCCCGTCCTGCGCCGC.
Other names: c.211_231dup, p.Ala71_Glu77dup (NM_001018041.2, NM_001360057.2, NM_001368130.1); c.-459_-439dup (NM_001360071.2); c.-413_-393dup (NM_001368129.2); c.-157_-137dup (NM_001368131.1); c.-114+620_-114+640dup (NM_001360064.2).
Identifiers: ClinVar variation 1058333 (VCV001058333.8), dbSNP rs2128649485, ClinGen allele CA2499218128.